The following is an entry in ClinVar:

ClinVar aggregate classification (germline): Likely pathogenic (1 of 4 stars; one submission).

Conditions:
Cernunnos-XLF deficiency (IMD124). Also called: NHEJ1 SYNDROME; Severe combined immunodeficiency with sensitivity to ionizing radiation due to NHEJ1 deficiency; SCID, autosomal recessive, T cell-negative, B cell-negative, NK cell-positive, and sensitivity to ionizing radiation due to NHEJ1 deficiency; IMMUNODEFICIENCY 124, SEVERE COMBINED; SCID, AUTOSOMAL RECESSIVE, T CELL-NEGATIVE, B CELL-NEGATIVE, NK CELL-POSITIVE, WITH MICROCEPHALY, GROWTH RETARDATION, AND SENSITIVITY TO IONIZING RADIATION. Identifiers: Orphanet 169079, MedGen C1969799, MONDO:0012650, OMIM 611291.

Allele frequency attached by ClinVar (database versions not stated): gnomAD exomes below 0.00001; ExAC 0.00001.
gnomAD v4.1: 1 of 1,611,982 alleles (0.000062%); highest among the groups gnomAD compares: South Asian, 0.0011%; no homozygotes.

Submission:

Labcorp Genetics (formerly Invitae), Labcorp
Classification: Likely pathogenic for Cernunnos-XLF deficiency. Last evaluated: 2019-01-20. Review status: criteria provided, single submitter. Criteria: Invitae Variant Classification Sherloc (09022015). Collection method: clinical testing. Allele origin: germline.
Comment: This sequence change affects an acceptor splice site in intron 5 of the NHEJ1 gene. It is expected to disrupt RNA splicing and likely results in an absent or disrupted protein product. This variant is present in population databases (rs753495484, ExAC 0.006%). This variant has not been reported in the literature in individuals with NHEJ1-related conditions. Donor and acceptor splice site variants typically lead to a loss of protein function (PMID: 16199547), and loss-of-function variants in NHEJ1 are known to be pathogenic (PMID: 16439204, 20597108). In summary, the currently available evidence indicates that the variant is pathogenic, but additional data are needed to prove that conclusively. Therefore, this variant has been classified as Likely Pathogenic.

Literature cited by the submitters: PubMed 16199547; PubMed 16439204; PubMed 20597108.

NM_024782.3(NHEJ1):c.589-2A>G

Gene: NHEJ1 (non-homologous end joining factor 1; minus strand). Cytogenetic location: 2q35.
Variant type: single nucleotide variant.
Coding change: c.589-2A>G on transcript NM_024782.3 (MANE Select); the canonical splice acceptor site of the intron before coding-DNA position 589, A replaced by G.
Molecular consequence: splice acceptor variant.
Genome position (GRCh38, 1-based): chr2:219,078,208, T>C on the plus strand (A>G on the coding strand, the complement: NHEJ1 is on the minus strand). VCF-style: chr2-219078208-T-C. GRCh37 (hg19) VCF-style: chr2-219942930-T-C.
Other names: c.589-2A>G (NM_001377499.1, NM_001377498.1).
Identifiers: ClinVar variation 843941 (VCV000843941.8), dbSNP rs753495484, ClinGen allele CA2116914.